The following is an entry in ClinVar:

NM_000179.3(MSH6):c.2983G>A (p.Glu995Lys)

Gene: MSH6 (mutS homolog 6; plus strand). Cytogenetic location: 2p16.3.
Variant type: single nucleotide variant.
Coding change: c.2983G>A on transcript NM_000179.3 (MANE Select); coding-DNA position 2983, G replaced by A.
Protein change: p.Glu995Lys; replaces glutamic acid 995 with lysine.
Molecular consequence: missense variant.
Genome position (GRCh38, 1-based): chr2:47,800,966, G>A. VCF-style: chr2-47800966-G-A. GRCh37 (hg19) VCF-style: chr2-48028105-G-A.
Other names: c.2593G>A, p.Glu865Lys (NM_001281492.2); c.2077G>A, p.Glu693Lys (NM_001281493.2, NM_001281494.2); short protein forms E995K, E865K, E693K.
Identifiers: ClinVar variation 232917 (VCV000232917.19), dbSNP rs63750258, ClinGen allele CA10578125.

ClinVar aggregate classification (germline): Conflicting classifications of pathogenicity. Review status: criteria provided, conflicting classifications (1 of 4 stars). 6 submissions from 6 submitters: Uncertain significance (5); Benign (1). Last evaluated 2025-09-03.

Conditions:
Lynch syndrome 5 (LYNCH5). Also called: Colorectal cancer, hereditary nonpolyposis, type 5; Hereditary non-polyposis colorectal cancer, type 5. Identifiers: Orphanet 144, MedGen C1833477, MONDO:0013710, OMIM 614350. Disease mechanism: loss of function.
Hereditary cancer-predisposing syndrome. Also called: Neoplastic Syndromes, Hereditary; Tumor predisposition; Hereditary Cancer Syndrome; Hereditary neoplastic syndrome. Identifiers: Orphanet 140162, MedGen C0027672, MeSH D009386, MONDO:0015356.
Hereditary nonpolyposis colorectal neoplasms. Identifiers: MedGen C0009405, MeSH D003123.
Endometrial carcinoma. Also called: Endometrial carcinoma, somatic. Identifiers: MedGen C0476089, MONDO:0002447, OMIM 608089, HP:0012114.

Allele frequency attached by ClinVar (database versions not stated): TOPMed 0.00001.
gnomAD v4.1: 1 of 1,562,602 alleles (0.000064%); highest among the groups gnomAD compares: Non-Finnish European, 0.000086%; no homozygotes.

Submissions (6):

Labcorp Genetics (formerly Invitae), Labcorp
Classification: Benign for Hereditary nonpolyposis colorectal neoplasms. Last evaluated: 2025-09-03. Review status: criteria provided, single submitter. Criteria: Invitae Variant Classification Sherloc (09022015). Collection method: clinical testing. Allele origin: germline.

Ambry Genetics
Classification: Uncertain significance for Hereditary cancer-predisposing syndrome. Last evaluated: 2025-03-28. Review status: criteria provided, single submitter. Criteria: Ambry Variant Classification Scheme 2023. Collection method: clinical testing. Allele origin: germline.
Comment: The p.E995K variant (also known as c.2983G>A), located in coding exon 4 of the MSH6 gene, results from a G to A substitution at nucleotide position 2983. The glutamic acid at codon 995 is replaced by lysine, an amino acid with similar properties. This amino acid position is well conserved in available vertebrate species. In addition, this alteration is predicted to be deleterious by in silico analysis. Based on the available evidence, the clinical significance of this variant remains unclear.

Quest Diagnostics Nichols Institute San Juan Capistrano
Classification: Uncertain significance. Last evaluated: 2024-10-25. Review status: criteria provided, single submitter. Criteria: Quest Diagnostics criteria. Collection method: clinical testing. Allele origin: unknown.
Comment: The MSH6 c.2983G>A (p.Glu995Lys) variant has been reported in the published literature in individuals with breast cancer (PMID: 35449176 (2022), 25186627 (2015)). The frequency of this variant in the general population, 0.0000066 (1/152174 chromosomes (Genome Aggregation Database)), is uninformative in the assessment of its pathogenicity. Analysis of this variant using bioinformatics tools for the prediction of the effect of amino acid changes on protein structure and function yielded conflicting predictions that this variant is benign or damaging. Based on the available information, we are unable to determine the clinical significance of this variant.

St. Jude Molecular Pathology, St. Jude Children's Research Hospital
Classification: Uncertain significance for Lynch syndrome 5. Last evaluated: 2024-08-28. Review status: criteria provided, single submitter. Criteria: St. Jude Assertion Criteria 2020. Collection method: clinical testing. Allele origin: germline.
Comment: The MSH6 c.2983G>A (p.Glu995Lys) variant is absent in gnomAD v2.1.1. The in silico tool REVEL predicts a deleterious effect on protein function, but to our knowledge this prediction has not been confirmed by functional studies. To our knowledge, this variant has not been reported in the literature in individuals with Lynch syndrome or constitutional mismatch repair deficiency, In summary, the evidence currently available is insufficient to determine the clinical significance of this variant. It has therefore been classified as of uncertain significance.

Baylor Genetics
Classification: Uncertain significance for Endometrial carcinoma. Last evaluated: 2024-02-07. Review status: criteria provided, single submitter. Criteria: ACMG Guidelines, 2015. Collection method: clinical testing. Allele origin: unknown.

Color Diagnostics, LLC DBA Color Health
Classification: Uncertain significance for Hereditary cancer-predisposing syndrome. Last evaluated: 2024-02-07. Review status: criteria provided, single submitter. Criteria: ACMG Guidelines, 2015. Collection method: clinical testing. Allele origin: germline.
Comment: This missense variant replaces glutamic acid with lysine at codon 995 of the MSH6 protein. Computational prediction suggests that this variant may have deleterious impact on protein structure and function (internally defined REVEL score threshold >= 0.7, PMID: 27666373). To our knowledge, functional studies have not been reported for this variant. This variant has not been reported in individuals affected with MSH6-related disorders in the literature. This variant has not been identified in the general population by the Genome Aggregation Database (gnomAD). The available evidence is insufficient to determine the role of this variant in disease conclusively. Therefore, this variant is classified as a Variant of Uncertain Significance.

Literature cited by the submitters: PubMed 25186627 (cited by Ambry Genetics and Quest Diagnostics Nichols Institute San Juan Capistrano); PubMed 35449176 (cited by Quest Diagnostics Nichols Institute San Juan Capistrano).